The following is an entry in ClinVar:

ClinVar aggregate classification (germline): Pathogenic (1 of 4 stars; one submission).

Submission:

Labcorp Genetics (formerly Invitae), Labcorp
Classification: Pathogenic. Last evaluated: 2022-11-01. Review status: criteria provided, single submitter. Criteria: Invitae Variant Classification Sherloc (09022015). Collection method: clinical testing. Allele origin: germline.
Comment: For these reasons, this variant has been classified as Pathogenic. This variant disrupts a region of the LCA5 protein in which other variant(s) (p.Lys586*) have been determined to be pathogenic (PMID: 23946133, 27624628). This suggests that this is a clinically significant region of the protein, and that variants that disrupt it are likely to be disease-causing. This variant has not been reported in the literature in individuals affected with LCA5-related conditions. This variant is not present in population databases (gnomAD no frequency). This sequence change creates a premature translational stop signal (p.Gln572*) in the LCA5 gene. While this is not anticipated to result in nonsense mediated decay, it is expected to disrupt the last 126 amino acid(s) of the LCA5 protein.

Literature cited by the submitters: PubMed 23946133; PubMed 27624628.

NM_001122769.3(LCA5):c.1714C>T (p.Gln572Ter)

Gene: LCA5 (lebercilin LCA5; minus strand). Cytogenetic location: 6q14.1.
Variant type: single nucleotide variant.
Coding change: c.1714C>T on transcript NM_001122769.3 (MANE Select); coding-DNA position 1714, C replaced by T.
Protein change: p.Gln572Ter; replaces glutamine 572 with a stop codon.
Molecular consequence: nonsense.
Genome position (GRCh38, 1-based): chr6:79,487,384, G>A on the plus strand (C>T on the coding strand, the complement: LCA5 is on the minus strand). VCF-style: chr6-79487384-G-A. GRCh37 (hg19) VCF-style: chr6-80197101-G-A.
Other names: c.1714C>T, p.Gln572Ter (NM_181714.4); short protein forms Q572*.
Identifiers: ClinVar variation 2801750 (VCV002801750.3), dbSNP rs2533368592, ClinGen allele CA364638959.